The following is an entry in ClinVar:

ClinVar aggregate classification (germline): Uncertain significance (1 of 4 stars; one submission).

Conditions:
RPE65-related recessive retinopathy. Also called: Recessive RPE65 retinopathy. Identifiers: MedGen CN305526, MONDO:0100368.

gnomAD v4.1: 2 of 1,613,920 alleles (0.00012%); highest among the groups gnomAD compares: South Asian, 0.0022%; no homozygotes.

Submission:

Myriad Genetics, Inc.
Classification: Uncertain significance for RPE65-related recessive retinopathy. Last evaluated: 2025-12-17. Review status: criteria provided, single submitter. Criteria: Myriad Autosomal Dominant, Autosomal Recessive and X-Linked Classification Criteria (2023). Collection method: clinical testing. Allele origin: unknown.
Comment: NM_000329.2(RPE65):c.89T>C(V30A) is a missense variant classified as a variant of uncertain significance in the context of inherited retinal dystrophy, RPE65-related. V30A has been observed in a case with relevant disease (PMID: 25097241). Relevant functional assessments of this variant are not available in the literature. V30A has been observed in referenced population frequency databases. In summary, there is insufficient evidence to classify NM_000329.2(RPE65):c.89T>C(V30A) as pathogenic or benign. Please note: this variant was assessed in the context of healthy population screening.

Literature cited by the submitters: PubMed 25097241.

NM_000329.3(RPE65):c.89T>C (p.Val30Ala)

Gene: RPE65 (retinoid isomerohydrolase RPE65; minus strand). Cytogenetic location: 1p31.3.
Variant type: single nucleotide variant.
Coding change: c.89T>C on transcript NM_000329.3 (MANE Select); coding-DNA position 89, T replaced by C.
Protein change: p.Val30Ala; replaces valine 30 with alanine.
Molecular consequence: missense variant. On other transcripts: 5 prime UTR variant (1), intron variant (1).
Genome position (GRCh38, 1-based): chr1:68,448,629, A>G on the plus strand (T>C on the coding strand, the complement: RPE65 is on the minus strand). VCF-style: chr1-68448629-A-G. GRCh37 (hg19) VCF-style: chr1-68914312-A-G.
Other names: c.89T>C, p.Val30Ala (NM_001406853.1, NM_001406859.1, NM_001406860.1); c.-37T>C (NM_001406856.1); c.-183+1266T>C (NM_001406857.1); short protein forms V30A.
Identifiers: ClinVar variation 5003280 (VCV005003280.1).